The following is an entry in ClinVar:

ClinVar aggregate classification (germline): Uncertain significance. Review status: criteria provided, multiple submitters, no conflicts (2 of 4 stars). 2 submissions from 2 submitters: Uncertain significance (2). Last evaluated 2025-10-28.

Allele frequency attached by ClinVar (database versions not stated): ExAC 0.00002; gnomAD 0.00004; TOPMed 0.00006.

Submissions (2):

Women's Health and Genetics/Laboratory Corporation of America, LabCorp
Classification: Uncertain significance. Last evaluated: 2025-10-28. Review status: criteria provided, single submitter. Criteria: LabCorp Variant Classification Summary - May 2015. Collection method: clinical testing. Allele origin: germline.
Comment: Variant summary: VWA1 c.305G>A (p.Arg102His) results in a non-conservative amino acid change in the encoded protein sequence. Algorithms developed to predict the effect of missense changes on protein structure and function are either unavailable or do not agree on the potential impact of this missense change. The variant allele was found at a frequency of 1.2e-05 in 244650 control chromosomes. The available data on variant occurrences in the general population are insufficient to allow any conclusion about variant significance. To our knowledge, no occurrence of c.305G>A in individuals affected with VWA1-related conditions and no experimental evidence demonstrating its impact on protein function have been reported. ClinVar contains an entry for this variant (Variation ID: 2515393). Based on the evidence outlined above, the variant was classified as uncertain significance.

Ambry Genetics
Classification: Uncertain significance. Last evaluated: 2023-04-17. Review status: criteria provided, single submitter. Criteria: Ambry Variant Classification Scheme 2023. Collection method: clinical testing. Allele origin: germline.

NM_022834.5(VWA1):c.305G>A (p.Arg102His)

Gene: VWA1 (von Willebrand factor A domain containing 1; plus strand). Cytogenetic location: 1p36.33.
Variant type: single nucleotide variant.
Coding change: c.305G>A on transcript NM_022834.5 (MANE Select); coding-DNA position 305, G replaced by A.
Protein change: p.Arg102His; replaces arginine 102 with histidine.
Molecular consequence: missense variant. On other transcripts: intron variant (1).
Genome position (GRCh38, 1-based): chr1:1,437,158, G>A. VCF-style: chr1-1437158-G-A. GRCh37 (hg19) VCF-style: chr1-1372538-G-A.
Other names: c.74-164G>A (NM_199121.3); short protein forms R102H.
Identifiers: ClinVar variation 2515393 (VCV002515393.3), dbSNP rs781395675, ClinGen allele CA523099.
Genomic context (GRCh38, chr1:1,437,158, plus strand): 5'-CATACACCGAGTTCCCCTTCGGCCAGCACAGCTCGGGTGAGGCTGCCCAGGATGCGGTGC[G>A]TGCTTCTGCCCAGCGCATGGGTGACACCCACACTGGCCTGGCGCTGGTCTATGCCAAGGA-3'
Protein context (NP_073745.2, residues 92-112): SSGEAAQDAV[Arg102His]ASAQRMGDTH